The following is an entry in ClinVar:

NM_000051.4(ATM):c.8787-1G>C

Genes: C11orf65 (chromosome 11 open reading frame 65; minus strand), ATM (ATM serine/threonine kinase; plus strand). Cytogenetic location: 11q22.3.
Variant type: single nucleotide variant.
Coding change: c.8787-1G>C on transcript NM_000051.4 (MANE Select); the canonical splice acceptor site of the intron before coding-DNA position 8787, G replaced by C.
Molecular consequence: splice acceptor variant. On other transcripts: intron variant (2).
Genome position (GRCh38, 1-based): chr11:108,354,810, G>C. VCF-style: chr11-108354810-G-C. GRCh37 (hg19) VCF-style: chr11-108225537-G-C.
Other names: c.8787-1G>C (NM_001351834.2); c.640+31110C>G (NM_001330368.2); c.695-19518C>G (NM_001351110.2).
Identifiers: ClinVar variation 822729 (VCV000822729.10), dbSNP rs1591313869, ClinGen allele CA382525495.

ClinVar aggregate classification (germline): Pathogenic/Likely pathogenic. Review status: criteria provided, multiple submitters, no conflicts (2 of 4 stars). 4 submissions from 4 submitters: Pathogenic (2); Likely pathogenic (2). Last evaluated 2025-02-19.

Conditions:
Hereditary cancer-predisposing syndrome. Also called: Tumor predisposition; Neoplastic Syndromes, Hereditary; Hereditary Cancer Syndrome; Hereditary neoplastic syndrome. Identifiers: Orphanet 140162, MedGen C0027672, MeSH D009386, MONDO:0015356.
Familial cancer of breast. Also called: Hereditary breast cancer; BREAST CANCER, FAMILIAL; hereditary breast carcinoma. Identifiers: Orphanet 227535, MedGen C0346153, MONDO:0016419, OMIM 114480. Disease mechanism: loss of function.
Ataxia-telangiectasia syndrome (AT). Also called: ATAXIA-TELANGIECTASIA, COMPLEMENTATION GROUP A; ATAXIA-TELANGIECTASIA, FRESNO VARIANT; Ataxia-telangiectasia; Ataxia-telangiectasia, complementation group D; AT, COMPLEMENTATION GROUP C; Ataxia-telangiectasia, complementation group E. Identifiers: Orphanet 100, MedGen C0004135, MONDO:0008840, OMIM 208900.

Allele frequency attached by ClinVar (database versions not stated): gnomAD exomes below 0.00001.
gnomAD v4.1: 1 of 1,613,128 alleles (0.000062%); highest among the groups gnomAD compares: Non-Finnish European, 0.000085%; no homozygotes.

Submissions (4):

Ambry Genetics
Classification: Pathogenic for Hereditary cancer-predisposing syndrome. Last evaluated: 2025-02-19. Review status: criteria provided, single submitter. Criteria: Ambry Variant Classification Scheme 2023. Collection method: clinical testing. Allele origin: germline.
Comment: The c.8787-1G>C intronic pathogenic mutation results from a G to C substitution one nucleotide upstream from coding exon 60 of the ATM gene. Alterations that disrupt the canonical splice site are expected to cause aberrant splicing, resulting in an abnormal protein or a transcript that is subject to nonsense-mediated mRNA decay. RNA studies have demonstrated that this alteration results in abnormal splicing in the set of samples tested (Ambry internal data). This variant is considered to be rare based on population cohorts in the Genome Aggregation Database (gnomAD). This nucleotide position is highly conserved in available vertebrate species. In silico splice site analysis predicts that this alteration will weaken the native splice acceptor site. Based on the supporting evidence, this alteration is interpreted as a disease-causing mutation.

Labcorp Genetics (formerly Invitae), Labcorp
Classification: Likely pathogenic for Ataxia-telangiectasia syndrome. Last evaluated: 2024-04-16. Review status: criteria provided, single submitter. Criteria: Invitae Variant Classification Sherloc (09022015). Collection method: clinical testing. Allele origin: germline.
Comment: This sequence change affects an acceptor splice site in intron 60 of the ATM gene. It is expected to disrupt RNA splicing. Variants that disrupt the donor or acceptor splice site typically lead to a loss of protein function (PMID: 16199547), and loss-of-function variants in ATM are known to be pathogenic (PMID: 23807571, 25614872). This variant is not present in population databases (gnomAD no frequency). This variant has not been reported in the literature in individuals affected with ATM-related conditions. ClinVar contains an entry for this variant (Variation ID: 822729). Algorithms developed to predict the effect of sequence changes on RNA splicing suggest that this variant may disrupt the consensus splice site. In summary, the currently available evidence indicates that the variant is pathogenic, but additional data are needed to prove that conclusively. Therefore, this variant has been classified as Likely Pathogenic.

Myriad Genetics, Inc.
Classification: Likely pathogenic for Familial cancer of breast. Last evaluated: 2024-02-05. Review status: criteria provided, single submitter. Criteria: Myriad Autosomal Dominant, Autosomal Recessive and X-Linked Classification Criteria (2023). Collection method: clinical testing. Allele origin: unknown.
Comment: This variant is considered likely pathogenic. This variant occurs within a consensus splice junction and is predicted to result in abnormal mRNA splicing of either an out-of-frame exon or an in-frame exon necessary for protein stability and/or normal function.

Baylor Genetics
Classification: Pathogenic for Familial cancer of breast. Last evaluated: 2021-07-11. Review status: criteria provided, single submitter. Criteria: ACMG Guidelines, 2015. Collection method: clinical testing. Allele origin: unknown.

Literature cited by the submitters: PubMed 16199547 (cited by Labcorp Genetics (formerly Invitae), Labcorp); PubMed 23807571 (cited by Labcorp Genetics (formerly Invitae), Labcorp); PubMed 25614872 (cited by Labcorp Genetics (formerly Invitae), Labcorp).